The following is an entry in ClinVar:

ClinVar aggregate classification (germline): Pathogenic (1 of 4 stars; one submission).

Submission:

Labcorp Genetics (formerly Invitae), Labcorp
Classification: Pathogenic. Last evaluated: 2026-01-24. Review status: criteria provided, single submitter. Criteria: Invitae Variant Classification Sherloc (09022015). Collection method: clinical testing. Allele origin: germline.
Comment: This sequence change creates a premature translational stop signal (p.Asp161Metfs*4) in the RP2 gene. It is expected to result in an absent or disrupted protein product. Loss-of-function variants in RP2 are known to be pathogenic (PMID: 11992260, 20625056). This variant is not present in population databases (gnomAD no frequency). This variant has not been reported in the literature in individuals affected with RP2-related conditions. ClinVar contains an entry for this variant (Variation ID: 3727184). For these reasons, this variant has been classified as Pathogenic.

Literature cited by the submitters: PubMed 11992260; PubMed 20625056.

NM_006915.3(RP2):c.480del (p.Asp161fs)

Gene: RP2 (RP2 activator of ARL3 GTPase; plus strand). Cytogenetic location: Xp11.3.
Variant type: Deletion.
Coding change: c.480del on transcript NM_006915.3 (MANE Select); coding-DNA position 480, one base deleted (A; older notation c.480delA).
Protein change: p.Asp161fs; shifts the reading frame from aspartic acid 161.
Molecular consequence: frameshift variant.
Genome position (GRCh38, 1-based): chrX:46,853,853, A deleted; the last of 3 consecutive A bases (chrX:46,853,851-46,853,853); deleting any one gives the same sequence. VCF-style (leftmost placement, unchanged base first): chrX-46853850-CA-C. GRCh37 (hg19) VCF-style: chrX-46713285-CA-C.
Other names: short protein forms D161fs.
Identifiers: ClinVar variation 3727184 (VCV003727184.2).